The following is an entry in ClinVar:

ClinVar aggregate classification (germline): Likely benign. Review status: criteria provided, multiple submitters, no conflicts (2 of 4 stars). 6 submissions from 6 submitters: Likely benign (6). Last evaluated 2026-01-22.

Conditions:
ADGRV1-related disorder. Also called: ADGRV1-related disorders; ADGRV1-related condition.

Allele frequency attached by ClinVar (database versions not stated): TOPMed 0.00002; 1000 Genomes Project 30x 0.00047; 1000 Genomes Project 0.00060.
gnomAD v4.1: 436 of 1,613,330 alleles (0.027%); highest among the groups gnomAD compares: South Asian, 0.45%; 4 homozygotes.

Submissions (6):

Labcorp Genetics (formerly Invitae), Labcorp
Classification: Likely benign. Last evaluated: 2026-01-22. Review status: criteria provided, single submitter. Criteria: Invitae Variant Classification Sherloc (09022015). Collection method: clinical testing. Allele origin: germline.

PreventionGenetics, part of Exact Sciences
Classification: Likely benign for ADGRV1-related condition. Last evaluated: 2024-10-30. Review status: criteria provided, single submitter. Criteria: ACMG Guidelines, 2015. Collection method: clinical testing. Allele origin: germline.
Comment: This variant is classified as likely benign based on ACMG/AMP sequence variant interpretation guidelines (Richards et al. 2015 PMID: 25741868, with internal and published modifications).

Blueprint Genetics
Classification: Likely benign. Last evaluated: 2024-10-09. Review status: criteria provided, single submitter. Criteria: ACMG Guidelines, 2015. Collection method: clinical testing. Allele origin: germline.

GeneDx
Classification: Likely benign. Last evaluated: 2020-11-19. Review status: criteria provided, single submitter. Criteria: GeneDx Variant Classification Process June 2021. Collection method: clinical testing. Allele origin: germline. Affected: yes.

Dubai Health Genomic Medicine Center, Dubai Health
Classification: Likely benign. Last evaluated: 2020-03-19. Review status: criteria provided, single submitter. Criteria: ACMG Guidelines, 2015. Collection method: clinical testing. Allele origin: germline. Affected: yes.

Laboratory for Molecular Medicine, Mass General Brigham Personalized Medicine
Classification: Likely benign. Last evaluated: 2017-08-23. Review status: criteria provided, single submitter. Criteria: LMM Criteria. Collection method: clinical testing. Allele origin: germline. Observed: 1 variant allele.
Comment: p.Arg4330Lys in exon 64 of GPR98: This variant is not expected to have clinical significance because it has been identified in 0.46% (76/16512) of South Asian c hromosomes by the Exome Aggregation Consortium (ExAC .org; dbSNP rs532605331).

NM_032119.4(ADGRV1):c.12989G>A (p.Arg4330Lys)

Gene: ADGRV1 (adhesion G protein-coupled receptor V1; plus strand). Cytogenetic location: 5q14.3.
Variant type: single nucleotide variant.
Coding change: c.12989G>A on transcript NM_032119.4 (MANE Select); coding-DNA position 12989, G replaced by A.
Protein change: p.Arg4330Lys; replaces arginine 4330 with lysine.
Molecular consequence: missense variant. On other transcripts: non-coding transcript variant (1).
Genome position (GRCh38, 1-based): chr5:90,779,004, G>A. VCF-style: chr5-90779004-G-A. GRCh37 (hg19) VCF-style: chr5-90074821-G-A.
Other names: short protein forms R4330K.
Identifiers: ClinVar variation 666646 (VCV000666646.19), dbSNP rs532605331, ClinGen allele CA3341392.